The following is an entry in ClinVar:

NM_001243279.3(ACSF3):c.1183C>T (p.Gln395Ter)

Gene: ACSF3 (acyl-CoA synthetase family member 3; plus strand). Cytogenetic location: 16q24.3.
Variant type: single nucleotide variant.
Coding change: c.1183C>T on transcript NM_001243279.3 (MANE Select); coding-DNA position 1183, C replaced by T.
Protein change: p.Gln395Ter; replaces glutamine 395 with a stop codon.
Molecular consequence: nonsense. On other transcripts: non-coding transcript variant (3).
Genome position (GRCh38, 1-based): chr16:89,120,857, C>T. VCF-style: chr16-89120857-C-T. GRCh37 (hg19) VCF-style: chr16-89187265-C-T.
Other names: c.1183C>T, p.Gln395Ter (NM_001127214.4, NM_174917.5); c.388C>T, p.Gln130Ter (NM_001284316.2); short protein forms Q130*, Q395*.
Identifiers: ClinVar variation 2116733 (VCV002116733.4), dbSNP rs1358658486, ClinGen allele CA397142283.

ClinVar aggregate classification (germline): Pathogenic (1 of 4 stars; one submission).

Conditions:
Combined malonic and methylmalonic acidemia. Identifiers: Orphanet 289504, MedGen C3280314, MONDO:0013661, OMIM 614265.

Allele frequency attached by ClinVar (database versions not stated): gnomAD exomes below 0.00001; gnomAD 0.00001.
gnomAD v4.1: 2 of 1,613,986 alleles (0.00012%); highest among the groups gnomAD compares: African/African-American, 0.0013%; no homozygotes.

Submission:

Labcorp Genetics (formerly Invitae), Labcorp
Classification: Pathogenic for Combined malonic and methylmalonic acidemia. Last evaluated: 2022-03-25. Review status: criteria provided, single submitter. Criteria: Invitae Variant Classification Sherloc (09022015). Collection method: clinical testing. Allele origin: germline.
Comment: This sequence change creates a premature translational stop signal (p.Gln395*) in the ACSF3 gene. It is expected to result in an absent or disrupted protein product. Loss-of-function variants in ACSF3 are known to be pathogenic (PMID: 21841779, 26827111). This variant is present in population databases (no rsID available, gnomAD 0.01%). This variant has not been reported in the literature in individuals affected with ACSF3-related conditions. For these reasons, this variant has been classified as Pathogenic.

Literature cited by the submitters: PubMed 21841779; PubMed 26827111.